The following is an entry in ClinVar:

NM_001009944.3(PKD1):c.12116C>T (p.Ala4039Val)

Gene: PKD1 (polycystin 1, transient receptor potential channel interacting; minus strand). Cytogenetic location: 16p13.3.
Variant type: single nucleotide variant.
Coding change: c.12116C>T on transcript NM_001009944.3 (MANE Select); coding-DNA position 12116, C replaced by T.
Protein change: p.Ala4039Val; replaces alanine 4039 with valine.
Molecular consequence: missense variant.
Genome position (GRCh38, 1-based): chr16:2,090,696, G>A on the plus strand (C>T on the coding strand, the complement: PKD1 is on the minus strand). VCF-style: chr16-2090696-G-A. GRCh37 (hg19) VCF-style: chr16-2140697-G-A.
Other names: c.12113C>T, p.Ala4038Val (NM_000296.4); short protein forms A4038V, A4039V.
Identifiers: ClinVar variation 4852352 (VCV004852352.1).

ClinVar aggregate classification (germline): Uncertain significance (1 of 4 stars; one submission).

Conditions:
Polycystic kidney disease, adult type (PKD1). Also called: Polycystic Kidney, Autosomal Dominant; POLYCYSTIC KIDNEY DISEASE, ADULT, TYPE I; Polycystic Kidney Disease 1, Autosomal Dominant; Polycystic kidney disease 1; Polycystic kidney disease 1, severe; POLYCYSTIC KIDNEY DISEASE 1 WITH OR WITHOUT POLYCYSTIC LIVER DISEASE. Identifiers: MedGen C3149841, MONDO:0008263, OMIM 173900.

gnomAD v4.1: 13 of 1,612,220 alleles (0.00081%); highest among the groups gnomAD compares: South Asian, 0.0088%; no homozygotes.

Submission:

MVZ Medizinische Genetik Mainz
Classification: Uncertain significance for Polycystic kidney disease, adult type. Last evaluated: 2026-04-23. Review status: criteria provided, single submitter. Criteria: UK Practice Guidelines For Variant Classification V4 01 2020. Collection method: clinical testing. Allele origin: germline. Inheritance: Autosomal dominant inheritance. Affected: yes. Observed: 1 variant allele.
Comment: ACMG Criteria: PM2_SUP,PP3